The following is an entry in ClinVar:

NM_000540.3(RYR1):c.1943T>C (p.Phe648Ser)

Gene: RYR1 (ryanodine receptor 1; plus strand). Cytogenetic location: 19q13.2.
Variant type: single nucleotide variant.
Coding change: c.1943T>C on transcript NM_000540.3 (MANE Select); coding-DNA position 1943, T replaced by C.
Protein change: p.Phe648Ser; replaces phenylalanine 648 with serine.
Molecular consequence: missense variant.
Genome position (GRCh38, 1-based): chr19:38,458,068, T>C. VCF-style: chr19-38458068-T-C. GRCh37 (hg19) VCF-style: chr19-38948708-T-C.
Other names: p.Phe648Ser; c.1943T>C (NM_000540.2); c.1943T>C, p.Phe648Ser (NM_001042723.2); short protein forms F648S.
Identifiers: ClinVar variation 1017749 (VCV001017749.18), dbSNP rs1251940779, ClinGen allele CA405695067.

ClinVar aggregate classification (germline): Uncertain significance. Review status: criteria provided, multiple submitters, no conflicts (2 of 4 stars). 7 submissions from 7 submitters: Uncertain significance (6). 1 of the submissions does not count toward it. Last evaluated 2025-12-16.

Conditions:
RYR1-related disorder. Also called: RYR1-related disorders; RYR1-related condition. Identifiers: MedGen CN239331.
Malignant hyperthermia, susceptibility to, 1 (MHS1). Also called: Anesthesia related hyperthermia; Malignant hyperpyrexia; Fulminating hyperpyrexia; Pharmacogenic myopathy; RYR1-Related Malignant Hyperthermia Susceptibility; Malignant hyperthermia suceptibility 1. Identifiers: Orphanet 423, MedGen C2930980, MONDO:0007783, OMIM 145600.
Inborn genetic diseases. Identifiers: MedGen C0950123, MeSH D030342.

Allele frequency attached by ClinVar (database versions not stated): gnomAD 0.00001; gnomAD exomes 0.00001 and 0.00002; TOPMed 0.00002.
gnomAD v4.1: 35 of 1,613,586 alleles (0.0022%); highest among the groups gnomAD compares: South Asian, 0.011%; no homozygotes.

Submissions (7):

Ambry Genetics
Classification: Uncertain significance for Inborn genetic diseases. Last evaluated: 2025-12-16. Review status: criteria provided, single submitter. Criteria: Ambry Variant Classification Scheme 2023. Collection method: clinical testing. Allele origin: germline.

Mayo Clinic Laboratories, Mayo Clinic
Classification: Uncertain significance. Last evaluated: 2025-10-22. Review status: criteria provided, single submitter. Criteria: ACMG Guidelines, 2015. Collection method: clinical testing. Allele origin: germline. Observed: 1 variant allele.
Comment: PP3_moderate

Labcorp Genetics (formerly Invitae), Labcorp
Classification: Uncertain significance for RYR1-related disorder. Last evaluated: 2025-10-06. Review status: criteria provided, single submitter. Criteria: Invitae Variant Classification Sherloc (09022015). Collection method: clinical testing. Allele origin: germline.
Comment: This sequence change replaces phenylalanine, which is neutral and non-polar, with serine, which is neutral and polar, at codon 648 of the RYR1 protein (p.Phe648Ser). This variant is present in population databases (no rsID available, gnomAD 0.006%). This variant has not been reported in the literature in individuals affected with RYR1-related conditions. ClinVar contains an entry for this variant (Variation ID: 1017749). Invitae Evidence Modeling of protein sequence and biophysical properties (such as structural, functional, and spatial information, amino acid conservation, physicochemical variation, residue mobility, and thermodynamic stability) indicates that this missense variant is expected to disrupt RYR1 protein function with a positive predictive value of 80%. In summary, the available evidence is currently insufficient to determine the role of this variant in disease. Therefore, it has been classified as a Variant of Uncertain Significance.

Revvity Omics, Revvity
Classification: Uncertain significance. Last evaluated: 2025-06-16. Review status: criteria provided, single submitter. Criteria: ACMG Guidelines, 2015. Collection method: clinical testing. Allele origin: germline.

All of Us Research Program, National Institutes of Health
Classification: Uncertain significance for Malignant hyperthermia, susceptibility to, 1. Last evaluated: 2024-06-09. Review status: criteria provided, single submitter. Criteria: ACMG Guidelines, 2015. Collection method: clinical testing. Allele origin: germline. Inheritance: Autosomal dominant inheritance. Observed: 11 variant alleles, 11 heterozygotes.
Comment: This missense variant replaces phenylalanine with serine at codon 648 of the RYR1 protein. Computational prediction suggests that this variant may have deleterious impact on protein structure and function (internally defined REVEL score threshold >= 0.7, PMID: 27666373). To our knowledge, functional studies have not been reported for this variant. This variant has not been reported in individuals affected with RYR1-related disorders in the literature. This variant has been identified in 2/250832 chromosomes in the general population by the Genome Aggregation Database (gnomAD). The available evidence is insufficient to determine the role of this variant in disease conclusively. Therefore, this variant is classified as a Variant of Uncertain Significance.

This study involves interpretation of variants in research participants for the purpose of population health screening. Participant phenotype was not available at the time of variant classification. Additional details can be found in publication PMID: 35346344, PMCID: PMC8962531

Color Diagnostics, LLC DBA Color Health
Classification: Uncertain significance for Malignant hyperthermia, susceptibility to, 1. Last evaluated: 2024-03-06. Review status: criteria provided, single submitter. Criteria: ACMG Guidelines, 2015. Collection method: clinical testing. Allele origin: germline.
Comment: This missense variant replaces phenylalanine with serine at codon 648 of the RYR1 protein. Computational prediction suggests that this variant may have deleterious impact on protein structure and function. To our knowledge, functional studies have not been reported for this variant. This variant has not been reported in individuals affected with RYR1-related disorders in the literature. This variant has been identified in 2/250832 chromosomes in the general population by the Genome Aggregation Database (gnomAD). The available evidence is insufficient to determine the role of this variant in disease conclusively. Therefore, this variant is classified as a Variant of Uncertain Significance.

PreventionGenetics, part of Exact Sciences
Classification: Uncertain significance for RYR1-related condition. Last evaluated: 2024-08-07. Review status: no assertion criteria provided. Collection method: clinical testing. Allele origin: germline. Not counted in ClinVar's aggregate classification.
Comment: The RYR1 c.1943T>C variant is predicted to result in the amino acid substitution p.Phe648Ser. To our knowledge, this variant has not been reported in the literature. This variant is reported in 0.0054% of alleles in individuals of East Asian descent in gnomAD. At this time, the clinical significance of this variant is uncertain due to the absence of conclusive functional and genetic evidence.